The following is an entry in ClinVar:

ClinVar aggregate classification (germline): Likely benign (0 of 4 stars; one submission).

Conditions:
DAAM2-related disorder. Also called: DAAM2-related condition.

Allele frequency attached by ClinVar (database versions not stated): gnomAD exomes 0.00015; ExAC 0.00062; ESP Exome Variant Server 0.00134; gnomAD 0.00184; 1000 Genomes Project 30x 0.00297; 1000 Genomes Project 0.00319.

Submission:

PreventionGenetics, part of Exact Sciences
Classification: Likely benign for DAAM2-related condition. Last evaluated: 2024-05-14. Review status: no assertion criteria provided. Collection method: clinical testing. Allele origin: germline.
Comment: This variant is classified as likely benign based on ACMG/AMP sequence variant interpretation guidelines (Richards et al. 2015 PMID: 25741868, with internal and published modifications).

NM_001201427.2(DAAM2):c.2982+10_2982+34del

Gene: DAAM2 (dishevelled associated activator of morphogenesis 2; plus strand). Cytogenetic location: 6p21.2.
Variant type: Deletion.
Coding change: c.2982+10_2982+34del on transcript NM_001201427.2 (MANE Select); bases 10 to 34 of the intron after coding-DNA position 2982, 25 bases deleted (AGTGCCAGGCCTGGGACTGAGGGGA).
Molecular consequence: intron variant.
Genome position (GRCh38, 1-based): chr6:39,901,482-39,901,506, AGTGCCAGGCCTGGGACTGAGGGGA deleted. VCF-style (leftmost placement, unchanged base first): chr6-39901481-CAGTGCCAGGCCTGGGACTGAGGGGA-C. GRCh37 (hg19) VCF-style: chr6-39869257-CAGTGCCAGGCCTGGGACTGAGGGGA-C.
Other names: c.2979+10_2979+34del (NM_015345.4).
Identifiers: ClinVar variation 3044520 (VCV003044520.2), dbSNP rs373176663, ClinGen allele CA3795478.
Genomic context (GRCh38, chr6:39,901,481, plus strand): 5'-CATGAGGAGGAGGAAGGAGGAGGAGGAGCGGCGGGCGCGCATGGAAGCCATGGTGAGGGG[CAGTGCCAGGCCTGGGACTGAGGGGA>C]GACGGGTGCTACTTGGGGAGAACACCCCCAAACTGGGGTGTGTGGGAGGAGGGCAGAGAC-3'